The following is an entry in ClinVar:

ClinVar aggregate classification (germline): Uncertain significance (1 of 4 stars; one submission).

Conditions:
Neurofibromatosis, type 1 (NF1). Also called: Neurofibromatosis, type I; VON RECKLINGHAUSEN DISEASE; NEUROFIBROMATOSIS, TYPE I, SOMATIC; Peripheral type neurofibromatosis. Identifiers: Orphanet 636, MedGen C0027831, MONDO:0018975, OMIM 162200. Disease mechanism: loss of function.

Submission:

Labcorp Genetics (formerly Invitae), Labcorp
Classification: Uncertain significance for Neurofibromatosis, type 1. Last evaluated: 2022-10-07. Review status: criteria provided, single submitter. Criteria: Invitae Variant Classification Sherloc (09022015). Collection method: clinical testing. Allele origin: germline.
Comment: This sequence change replaces lysine, which is basic and polar, with asparagine, which is neutral and polar, at codon 63 of the NF1 protein (p.Lys63Asn). This variant is not present in population databases (gnomAD no frequency). This variant has not been reported in the literature in individuals affected with NF1-related conditions. In summary, the available evidence is currently insufficient to determine the role of this variant in disease. Therefore, it has been classified as a Variant of Uncertain Significance. Advanced modeling of protein sequence and biophysical properties (such as structural, functional, and spatial information, amino acid conservation, physicochemical variation, residue mobility, and thermodynamic stability) has been performed at Invitae for this missense variant, however the output from this modeling did not meet the statistical confidence thresholds required to predict the impact of this variant on NF1 protein function.

NM_001042492.3(NF1):c.189G>T (p.Lys63Asn)

Gene: NF1 (neurofibromin 1; plus strand). Cytogenetic location: 17q11.2.
Variant type: single nucleotide variant.
Coding change: c.189G>T on transcript NM_001042492.3 (MANE Select); coding-DNA position 189, G replaced by T.
Protein change: p.Lys63Asn; replaces lysine 63 with asparagine.
Molecular consequence: missense variant.
Genome position (GRCh38, 1-based): chr17:31,156,111, G>T. VCF-style: chr17-31156111-G-T. GRCh37 (hg19) VCF-style: chr17-29483129-G-T.
Other names: c.189G>T, p.Lys63Asn (NM_000267.4, NM_001128147.3); short protein forms K63N.
Identifiers: ClinVar variation 1721207 (VCV001721207.5), dbSNP rs2143627434, ClinGen allele CA398988714.